The following is an entry in ClinVar:

ClinVar aggregate classification (germline): Likely pathogenic (1 of 4 stars; one submission).

Conditions:
COL4A3-related disorder. Also called: COL4A3-related condition; COL4A3-Related Disorders.

Submission:

PreventionGenetics, part of Exact Sciences
Classification: Likely pathogenic for COL4A3-related condition. Last evaluated: 2023-08-23. Review status: criteria provided, single submitter. Criteria: ACMG Guidelines, 2015. Collection method: clinical testing. Allele origin: germline.
Comment: The COL4A3 c.1622G>A variant is predicted to result in the amino acid substitution p.Gly541Asp. The p.Gly541 residue is located in the conserved triple helical domain, where substitutions of the glycine are usually pathogenic (UniProt residues 43-1438, Hudson et al. 1993. PubMed ID: 8253711). This variant was reported in an individual with Alport syndrome (Gao et al. 2022. PubMed ID: 36685964). This variant has not been reported in a large population database, indicating this variant is rare. This variant is interpreted as likely pathogenic.

NM_000091.5(COL4A3):c.1622G>A (p.Gly541Asp)

Genes: COL4A3 (collagen type IV alpha 3 chain; plus strand), MFF-DT (MFF divergent transcript; minus strand). Cytogenetic location: 2q36.3.
Variant type: single nucleotide variant.
Coding change: c.1622G>A on transcript NM_000091.5 (MANE Select); coding-DNA position 1622, G replaced by A.
Protein change: p.Gly541Asp; replaces glycine 541 with aspartic acid.
Molecular consequence: missense variant.
Genome position (GRCh38, 1-based): chr2:227,270,816, G>A. VCF-style: chr2-227270816-G-A. GRCh37 (hg19) VCF-style: chr2-228135532-G-A.
Other names: short protein forms G541D.
Identifiers: ClinVar variation 2631041 (VCV002631041.1), dbSNP rs1288801444, ClinGen allele CA350871651.